The following is an entry in ClinVar:

NM_199420.4(POLQ):c.5065C>A (p.Gln1689Lys)

Gene: POLQ (DNA polymerase theta; minus strand). Cytogenetic location: 3q13.33.
Variant type: single nucleotide variant.
Coding change: c.5065C>A on transcript NM_199420.4 (MANE Select); coding-DNA position 5065, C replaced by A.
Protein change: p.Gln1689Lys; replaces glutamine 1689 with lysine.
Molecular consequence: missense variant.
Genome position (GRCh38, 1-based): chr3:121,487,866, G>T on the plus strand (C>A on the coding strand, the complement: POLQ is on the minus strand). VCF-style: chr3-121487866-G-T. GRCh37 (hg19) VCF-style: chr3-121206713-G-T.
Other names: short protein forms Q1689K.
Identifiers: ClinVar variation 1745126 (VCV001745126.2), dbSNP rs373077657, ClinGen allele CA354092124.

ClinVar aggregate classification (germline): Uncertain significance (1 of 4 stars; one submission).

gnomAD v4.1: 1 of 1,610,494 alleles (0.000062%); highest among the groups gnomAD compares: Middle Eastern, 0.017%; no homozygotes.

Submission:

Ambry Genetics
Classification: Uncertain significance. Last evaluated: 2021-12-10. Review status: criteria provided, single submitter. Criteria: Ambry Variant Classification Scheme 2023. Collection method: clinical testing. Allele origin: germline.
Comment: The p.Q1689K variant (also known as c.5065C>A), located in coding exon 16 of the POLQ gene, results from a C to A substitution at nucleotide position 5065. The glutamine at codon 1689 is replaced by lysine, an amino acid with similar properties. This amino acid position is conserved. In addition, this alteration is predicted to be tolerated by in silico analysis. Since supporting evidence is limited at this time, the clinical significance of this alteration remains unclear.